The following is an entry in ClinVar:

NM_000836.4(GRIN2D):c.3340GACTCGGAG[3] (p.1114DSE[3])

Gene: GRIN2D (glutamate ionotropic receptor NMDA type subunit 2D; plus strand). Cytogenetic location: 19q13.33.
Variant type: Microsatellite.
Coding change: c.3340GACTCGGAG[3] on transcript NM_000836.4 (MANE Select); three copies in a row of the 9-base unit GACTCGGAG starting at c.3340; the reference has two copies in a row; one copy, 9 bases duplicated.
Protein change: p.1114DSE[3].
Molecular consequence: inframe insertion.
Genome position (GRCh38, 1-based): chr19:48,443,275-48,443,283, GACTCGGAG duplicated; duplicating any 9 consecutive bases within chr19:48,443,265-48,443,283 gives the same sequence; the position shown is the placement nearest the transcript's 3' end. VCF-style (leftmost placement, unchanged base first): chr19-48443264-C-CGGACTCGGA. GRCh37 (hg19) VCF-style: chr19-48946521-C-CGGACTCGGA.
Identifiers: ClinVar variation 1333740 (VCV001333740.3), dbSNP rs749701862, ClinGen allele CA9550832.

ClinVar aggregate classification (germline): Uncertain significance. Review status: criteria provided, multiple submitters, no conflicts (2 of 4 stars). 2 submissions from 2 submitters: Uncertain significance (2). Last evaluated 2024-04-29.

Conditions:
Developmental and epileptic encephalopathy, 46 (DEE46). Also called: GRIN2D-Related Developmental and Epileptic Encephalopathy; Epileptic encephalopathy, early infantile, 46. Identifiers: MedGen C4310687, MONDO:0014947, OMIM 617162.

Submissions (2):

Labcorp Genetics (formerly Invitae), Labcorp
Classification: Uncertain significance. Last evaluated: 2024-04-29. Review status: criteria provided, single submitter. Criteria: Invitae Variant Classification Sherloc (09022015). Collection method: clinical testing. Allele origin: germline.
Comment: This variant, c.3349_3357dup, results in the insertion of 3 amino acid(s) of the GRIN2D protein (p.Asp1117_Glu1119dup), but otherwise preserves the integrity of the reading frame. This variant is present in population databases (rs749701862, gnomAD 0.006%). This variant has not been reported in the literature in individuals affected with GRIN2D-related conditions. ClinVar contains an entry for this variant (Variation ID: 1333740). In summary, the available evidence is currently insufficient to determine the role of this variant in disease. Therefore, it has been classified as a Variant of Uncertain Significance.

CENTOGENE GmbH and LLC - Guiding Precision Medicine
Classification: Uncertain significance for Developmental and epileptic encephalopathy, 46. Last evaluated: 2019-07-17. Review status: criteria provided, single submitter. Criteria: ACMG Guidelines, 2015. Collection method: clinical testing. Allele origin: germline. Affected: yes.